The following is an entry in ClinVar:

NM_002160.4(TNC):c.3336del (p.Asn1112fs)

Gene: TNC (tenascin C; minus strand). Cytogenetic location: 9q33.1.
Variant type: Deletion.
Coding change: c.3336del on transcript NM_002160.4 (MANE Select); coding-DNA position 3336, one base deleted (C; older notation c.3336delC).
Protein change: p.Asn1112fs; shifts the reading frame from asparagine 1112.
Molecular consequence: frameshift variant.
Genome position (GRCh38, 1-based): chr9:115,064,798, G deleted on the plus strand (C on the coding strand, the reverse complement: TNC is on the minus strand). VCF-style (leftmost placement, unchanged base first): chr9-115064797-TG-T. GRCh37 (hg19) VCF-style: chr9-117827076-TG-T.
Other names: c.3336del, p.Asn1112fs (NM_001410991.1); c.3336delC (NM_002160.4); short protein forms N1112fs.
Identifiers: ClinVar variation 3907037 (VCV003907037.1).
Genomic context (GRCh38, chr9:115,064,797, plus strand): 5'-CCGGTATGTCCACAGCCCGAAGGCTGCCAGGCACGGTGAGGTTCCGAGCTGCCTCCACCT[TG>T]TTGGCCTCCTGCACCTGAATGATAAAGTGCTCATAGGCCTGGTCAGCTGCGGTCCAGTTG-3'

ClinVar aggregate classification (germline): Uncertain significance (1 of 4 stars; one submission).

Submission:

Women's Health and Genetics/Laboratory Corporation of America, LabCorp
Classification: Uncertain significance. Last evaluated: 2025-06-17. Review status: criteria provided, single submitter. Criteria: LabCorp Variant Classification Summary - May 2015. Collection method: clinical testing. Allele origin: germline.
Comment: Variant summary: TNC c.3336delC (p.Asn1112LysfsX36) results in a premature termination codon, predicted to cause a truncation of the encoded protein or absence of the protein due to nonsense mediated decay, however current evidence is not sufficient to establish loss of function as a mechanism for disease. The variant was absent in 251450 control chromosomes (gnomAD). The available data on variant occurrences in the general population are insufficient to allow any conclusion about variant significance. To our knowledge, no occurrence of c.3336delC in individuals affected with Deafness, Autosomal Dominant 56 and no experimental evidence demonstrating its impact on protein function have been reported. No submitters have cited clinical-significance assessments for this variant to ClinVar. Based on the evidence outlined above, the variant was classified as uncertain significance.